The following is an entry in ClinVar:

ClinVar aggregate classification (germline): Conflicting classifications of pathogenicity. Review status: criteria provided, conflicting classifications (1 of 4 stars). 4 submissions from 4 submitters: Uncertain significance (3); Likely benign (1). Last evaluated 2025-11-17.

Allele frequency attached by ClinVar (database versions not stated): gnomAD exomes 0.00011 and 0.00013; ExAC 0.00022; ESP Exome Variant Server 0.00023; TOPMed 0.00025; gnomAD 0.00030 and 0.00031; 1000 Genomes Project 0.00040; 1000 Genomes Project 30x 0.00047.
gnomAD v4.1: 204 of 1,603,082 alleles (0.013%); highest among the groups gnomAD compares: Middle Eastern, 0.083%; no homozygotes.

Submissions (4):

Labcorp Genetics (formerly Invitae), Labcorp
Classification: Uncertain significance. Last evaluated: 2025-11-17. Review status: criteria provided, single submitter. Criteria: Invitae Variant Classification Sherloc (09022015). Collection method: clinical testing. Allele origin: germline.
Comment: This sequence change replaces phenylalanine, which is neutral and non-polar, with serine, which is neutral and polar, at codon 293 of the TCF3 protein (p.Phe293Ser). This variant is present in population databases (rs141542090, gnomAD 0.06%). This variant has not been reported in the literature in individuals affected with TCF3-related conditions. ClinVar contains an entry for this variant (Variation ID: 1400310). Invitae Evidence Modeling of protein sequence and biophysical properties (such as structural, functional, and spatial information, amino acid conservation, physicochemical variation, residue mobility, and thermodynamic stability) indicates that this missense variant is expected to disrupt TCF3 protein function with a positive predictive value of 80%. In summary, the available evidence is currently insufficient to determine the role of this variant in disease. Therefore, it has been classified as a Variant of Uncertain Significance.

Blueprint Genetics
Classification: Likely benign. Last evaluated: 2024-11-07. Review status: criteria provided, single submitter. Criteria: ACMG Guidelines, 2015. Collection method: clinical testing. Allele origin: germline.

GeneDx
Classification: Uncertain significance. Last evaluated: 2024-06-03. Review status: criteria provided, single submitter. Criteria: GeneDx Variant Classification Process June 2021. Collection method: clinical testing. Allele origin: germline. Affected: yes.
Comment: In silico analysis supports that this missense variant has a deleterious effect on protein structure/function; Has not been previously published as pathogenic or benign to our knowledge

Revvity Omics, Revvity
Classification: Uncertain significance. Last evaluated: 2022-06-10. Review status: criteria provided, single submitter. Criteria: ACMG Guidelines, 2015. Collection method: clinical testing. Allele origin: germline.

NM_003200.5(TCF3):c.878T>C (p.Phe293Ser)

Gene: TCF3 (transcription factor 3; minus strand). Cytogenetic location: 19p13.3.
Variant type: single nucleotide variant.
Coding change: c.878T>C on transcript NM_003200.5 (MANE Select); coding-DNA position 878, T replaced by C.
Protein change: p.Phe293Ser; replaces phenylalanine 293 with serine.
Molecular consequence: missense variant.
Genome position (GRCh38, 1-based): chr19:1,621,915, A>G on the plus strand (T>C on the coding strand, the complement: TCF3 is on the minus strand). VCF-style: chr19-1621915-A-G. GRCh37 (hg19) VCF-style: chr19-1621914-A-G.
Other names: c.878T>C, p.Phe293Ser (NM_001136139.4, NM_001351778.2, NM_001351779.2); c.878T>C (NM_003200.3); short protein forms F293S.
Identifiers: ClinVar variation 1400310 (VCV001400310.12), dbSNP rs141542090, ClinGen allele CA9050189.